The following is an entry in ClinVar:

ClinVar aggregate classification (germline): Pathogenic/Likely pathogenic. Review status: criteria provided, multiple submitters, no conflicts (2 of 4 stars). 2 submissions from 2 submitters: Pathogenic (1); Likely pathogenic (1). Last evaluated 2024-05-24.

Conditions:
Epidermolysis bullosa, junctional 4, intermediate. Also called: Epidermolysis bullosa, junctional, localisata variant; EPIDERMOLYSIS BULLOSA, JUNCTIONAL 4, NON-HERLITZ TYPE; EPIDERMOLYSIS BULLOSA, GENERALIZED ATROPHIC BENIGN. Identifiers: MedGen C2608084, MONDO:0030750, OMIM 619787.
Epithelial recurrent erosion dystrophy (ERED). Also called: CORNEAL EROSIONS, RECURRING HEREDITARY. Identifiers: Orphanet 293381, MedGen C1852551, MONDO:0007381, OMIM 122400.

gnomAD v4.1: 7 of 1,614,036 alleles (0.00043%); highest among the groups gnomAD compares: Admixed American, 0.012%; no homozygotes.

Submissions (2):

Fulgent Genetics
Classification: Likely pathogenic for Epithelial recurrent erosion dystrophy; Epidermolysis bullosa, junctional 4, intermediate. Last evaluated: 2024-05-24. Review status: criteria provided, single submitter. Criteria: ACMG Guidelines, 2015. Collection method: clinical testing. Allele origin: germline.

Labcorp Genetics (formerly Invitae), Labcorp
Classification: Pathogenic. Last evaluated: 2023-11-05. Review status: criteria provided, single submitter. Criteria: Invitae Variant Classification Sherloc (09022015). Collection method: clinical testing. Allele origin: germline.
Comment: This sequence change affects a donor splice site in intron 36 of the COL17A1 gene. It is expected to disrupt RNA splicing. Variants that disrupt the donor or acceptor splice site typically lead to a loss of protein function (PMID: 16199547), and loss-of-function variants in COL17A1 are known to be pathogenic (PMID: 16473856, 17344927, 20301304, 21357940, 24319098). This variant is present in population databases (no rsID available, gnomAD 0.006%). Disruption of this splice site has been observed in individuals with junctional epidermolysis bullosa (PMID: 33393081). Algorithms developed to predict the effect of sequence changes on RNA splicing suggest that this variant may disrupt the consensus splice site. For these reasons, this variant has been classified as Pathogenic.

Literature cited by the submitters: PubMed 16199547 (cited by Labcorp Genetics (formerly Invitae), Labcorp); PubMed 16473856 (cited by Labcorp Genetics (formerly Invitae), Labcorp); PubMed 17344927 (cited by Labcorp Genetics (formerly Invitae), Labcorp); PubMed 20301304 (cited by Labcorp Genetics (formerly Invitae), Labcorp); PubMed 21357940 (cited by Labcorp Genetics (formerly Invitae), Labcorp); PubMed 24319098 (cited by Labcorp Genetics (formerly Invitae), Labcorp); PubMed 33393081 (cited by Labcorp Genetics (formerly Invitae), Labcorp).

NM_000494.4(COL17A1):c.2551+1G>T

Gene: COL17A1 (collagen type XVII alpha 1 chain; minus strand). Cytogenetic location: 10q25.1.
Variant type: single nucleotide variant.
Coding change: c.2551+1G>T on transcript NM_000494.4 (MANE Select); the canonical splice donor site of the intron after coding-DNA position 2551, G replaced by T.
Molecular consequence: splice donor variant.
Genome position (GRCh38, 1-based): chr10:104,042,419, C>A on the plus strand (G>T on the coding strand, the complement: COL17A1 is on the minus strand). VCF-style: chr10-104042419-C-A. GRCh37 (hg19) VCF-style: chr10-105802177-C-A.
Identifiers: ClinVar variation 2900711 (VCV002900711.4), dbSNP rs112151584, ClinGen allele CA378068491.